The following is an entry in ClinVar:

ClinVar aggregate classification (germline): Uncertain significance. Review status: criteria provided, multiple submitters, no conflicts (2 of 4 stars). 2 submissions from 2 submitters: Uncertain significance (2). Last evaluated 2024-02-13.

Conditions:
Carney complex, type 1 (CNC1). Also called: CARNEY MYXOMA-ENDOCRINE COMPLEX; CARNEY COMPLEX, TYPE I. Identifiers: Orphanet 1359, MedGen C2607929, MONDO:0008057, OMIM 160980.
Hereditary cancer-predisposing syndrome. Also called: Tumor predisposition; Hereditary Cancer Syndrome; Hereditary neoplastic syndrome; Neoplastic Syndromes, Hereditary. Identifiers: Orphanet 140162, MedGen C0027672, MeSH D009386, MONDO:0015356.

Submissions (2):

Ambry Genetics
Classification: Uncertain significance for Hereditary cancer-predisposing syndrome. Last evaluated: 2024-02-13. Review status: criteria provided, single submitter. Criteria: Ambry Variant Classification Scheme 2023. Collection method: clinical testing. Allele origin: germline.

Labcorp Genetics (formerly Invitae), Labcorp
Classification: Uncertain significance for Carney complex, type 1. Last evaluated: 2021-05-12. Review status: criteria provided, single submitter. Criteria: Invitae Variant Classification Sherloc (09022015). Collection method: clinical testing. Allele origin: germline.
Comment: In summary, the available evidence is currently insufficient to determine the role of this variant in disease. Therefore, it has been classified as a Variant of Uncertain Significance. Algorithms developed to predict the effect of missense changes on protein structure and function (SIFT, PolyPhen-2, Align-GVGD) all suggest that this variant is likely to be disruptive, but these predictions have not been confirmed by published functional studies and their clinical significance is uncertain. This variant has not been reported in the literature in individuals with PRKAR1A-related disease. This variant is not present in population databases (ExAC no frequency). This sequence change replaces arginine with glutamine at codon 96 of the PRKAR1A protein (p.Arg96Gln). The arginine residue is highly conserved and there is a small physicochemical difference between arginine and glutamine.

NM_002734.5(PRKAR1A):c.287G>A (p.Arg96Gln)

Gene: PRKAR1A (protein kinase cAMP-dependent type I regulatory subunit alpha; plus strand). Cytogenetic location: 17q24.2.
Variant type: single nucleotide variant.
Coding change: c.287G>A on transcript NM_002734.5 (MANE Select); coding-DNA position 287, G replaced by A.
Protein change: p.Arg96Gln; replaces arginine 96 with glutamine.
Molecular consequence: missense variant.
Genome position (GRCh38, 1-based): chr17:68,522,865, G>A. VCF-style: chr17-68522865-G-A. GRCh37 (hg19) VCF-style: chr17-66519006-G-A.
Other names: c.287G>A, p.Arg96Gln (NM_001276289.2, NM_001276290.1, NM_001278433.2 and 4 more transcripts); c.287G>A (NM_002734.3); short protein forms R96Q.
Identifiers: ClinVar variation 536889 (VCV000536889.10), dbSNP rs1555813215, ClinGen allele CA400752390.